The following is an entry in ClinVar:

ClinVar aggregate classification (germline): Uncertain significance (1 of 4 stars; one submission).

Conditions:
Developmental and epileptic encephalopathy 94 (DEE94). Also called: Epileptic encephalopathy, childhood-onset; CHD2-Related Neurodevelopmental Disorders. Identifiers: Orphanet 1942, Orphanet 2382, MedGen C3809278, MONDO:0014150, OMIM 615369.

Allele frequency attached by ClinVar (database versions not stated): gnomAD exomes below 0.00001; gnomAD 0.00001; TOPMed 0.00002.

Submission:

Labcorp Genetics (formerly Invitae), Labcorp
Classification: Uncertain significance for Developmental and epileptic encephalopathy 94. Last evaluated: 2022-08-10. Review status: criteria provided, single submitter. Criteria: Invitae Variant Classification Sherloc (09022015). Collection method: clinical testing. Allele origin: germline.
Comment: In summary, the available evidence is currently insufficient to determine the role of this variant in disease. Therefore, it has been classified as a Variant of Uncertain Significance. This sequence change falls in intron 28 of the CHD2 gene. It does not directly change the encoded amino acid sequence of the CHD2 protein. It affects a nucleotide within the consensus splice site. This variant is not present in population databases (gnomAD no frequency). This variant has not been reported in the literature in individuals affected with CHD2-related conditions. Variants that disrupt the consensus splice site are a relatively common cause of aberrant splicing (PMID: 17576681, 9536098). Algorithms developed to predict the effect of sequence changes on RNA splicing suggest that this variant is not likely to affect RNA splicing.

Literature cited by the submitters: PubMed 17576681; PubMed 9536098.

NM_001271.4(CHD2):c.3595+6C>T

Gene: CHD2 (chromodomain helicase DNA binding protein 2; plus strand). Cytogenetic location: 15q26.1.
Variant type: single nucleotide variant.
Coding change: c.3595+6C>T on transcript NM_001271.4 (MANE Select); 6 bases into the intron after coding-DNA position 3595, C replaced by T.
Molecular consequence: intron variant.
Genome position (GRCh38, 1-based): chr15:92,993,004, C>T. VCF-style: chr15-92993004-C-T. GRCh37 (hg19) VCF-style: chr15-93536234-C-T.
Identifiers: ClinVar variation 2082802 (VCV002082802.4), dbSNP rs922202345, ClinGen allele CA274866774.